The following is an entry in ClinVar:

ClinVar aggregate classification (germline): Uncertain significance. Review status: criteria provided, multiple submitters, no conflicts (2 of 4 stars). 2 submissions from 2 submitters: Uncertain significance (2). Last evaluated 2024-05-22.

Conditions:
Brugada syndrome 4 (BRGDA4). Identifiers: Orphanet 130, MedGen C2678477, MONDO:0012743, OMIM 611876.
Cardiovascular phenotype. Identifiers: MedGen CN230736.

Allele frequency attached by ClinVar (database versions not stated): gnomAD exomes below 0.00001 and 0.00002; gnomAD 0.00001; TOPMed 0.00002.
gnomAD v4.1: 30 of 1,613,946 alleles (0.0019%); highest among the groups gnomAD compares: Non-Finnish European, 0.0025%; no homozygotes.

Submissions (2):

Ambry Genetics
Classification: Uncertain significance for Cardiovascular phenotype. Last evaluated: 2024-05-22. Review status: criteria provided, single submitter. Criteria: Ambry Variant Classification Scheme 2023. Collection method: clinical testing. Allele origin: germline.
Comment: The p.V96I variant (also known as c.286G>A), located in coding exon 3 of the CACNB2 gene, results from a G to A substitution at nucleotide position 286. The valine at codon 96 is replaced by isoleucine, an amino acid with highly similar properties. This amino acid position is well conserved in available vertebrate species; however, isoleucine is the reference amino acid in other vertebrate species. In addition, this alteration is predicted to be tolerated by in silico analysis. Since supporting evidence is limited at this time, the clinical significance of this alteration remains unclear.

Labcorp Genetics (formerly Invitae), Labcorp
Classification: Uncertain significance for Brugada syndrome 4. Last evaluated: 2022-03-19. Review status: criteria provided, single submitter. Criteria: Invitae Variant Classification Sherloc (09022015). Collection method: clinical testing. Allele origin: germline.
Comment: In summary, the available evidence is currently insufficient to determine the role of this variant in disease. Therefore, it has been classified as a Variant of Uncertain Significance. Algorithms developed to predict the effect of missense changes on protein structure and function (SIFT, PolyPhen-2, Align-GVGD) all suggest that this variant is likely to be tolerated. ClinVar contains an entry for this variant (Variation ID: 1047443). This variant has not been reported in the literature in individuals affected with CACNB2-related conditions. This variant is present in population databases (no rsID available, gnomAD 0.0009%). This sequence change replaces valine, which is neutral and non-polar, with isoleucine, which is neutral and non-polar, at codon 96 of the CACNB2 protein (p.Val96Ile).

NM_201596.3(CACNB2):c.448G>A (p.Val150Ile)

Gene: CACNB2 (calcium voltage-gated channel auxiliary subunit beta 2; plus strand). Cytogenetic location: 10p12.31.
Variant type: single nucleotide variant.
Coding change: c.448G>A on transcript NM_201596.3 (MANE Select); coding-DNA position 448, G replaced by A.
Protein change: p.Val150Ile; replaces valine 150 with isoleucine.
Molecular consequence: missense variant.
Genome position (GRCh38, 1-based): chr10:18,498,469, G>A. VCF-style: chr10-18498469-G-A. GRCh37 (hg19) VCF-style: chr10-18787398-G-A.
Other names: c.283G>A, p.Val95Ile (NM_000724.4, NM_001330060.2); c.364G>A, p.Val122Ile (NM_001167945.2, NM_201571.4, NM_201572.4); c.304G>A, p.Val102Ile (NM_201570.3); c.286G>A, p.Val96Ile (NM_201590.3); c.448G>A, p.Val150Ile (NM_201593.3, NM_201597.3); short protein forms V122I, V95I, V150I, V96I, V102I.
Identifiers: ClinVar variation 1047443 (VCV001047443.7), dbSNP rs1157722971, ClinGen allele CA376057019.